The following is an entry in ClinVar:

ClinVar aggregate classification (germline): Uncertain significance (1 of 4 stars; one submission).

Conditions:
Hereditary cancer-predisposing syndrome. Also called: Tumor predisposition; Hereditary neoplastic syndrome; Hereditary Cancer Syndrome; Neoplastic Syndromes, Hereditary. Identifiers: Orphanet 140162, MedGen C0027672, MeSH D009386, MONDO:0015356.

Submission:

Ambry Genetics
Classification: Uncertain significance for Hereditary cancer-predisposing syndrome. Last evaluated: 2025-03-30. Review status: criteria provided, single submitter. Criteria: Ambry Variant Classification Scheme 2023. Collection method: clinical testing. Allele origin: germline.
Comment: The p.T746K variant (also known as c.2237C>A), located in coding exon 20 of the TSC2 gene, results from a C to A substitution at nucleotide position 2237. The threonine at codon 746 is replaced by lysine, an amino acid with similar properties. This amino acid position is conserved. In addition, this alteration is predicted to be deleterious by in silico analysis. Based on the available evidence, the clinical significance of this variant remains unclear.

NM_000548.5(TSC2):c.2237C>A (p.Thr746Lys)

Gene: TSC2 (TSC complex subunit 2; plus strand). Cytogenetic location: 16p13.3.
Variant type: single nucleotide variant.
Coding change: c.2237C>A on transcript NM_000548.5 (MANE Select); coding-DNA position 2237, C replaced by A.
Protein change: p.Thr746Lys; replaces threonine 746 with lysine.
Molecular consequence: missense variant. On other transcripts: non-coding transcript variant (5).
Genome position (GRCh38, 1-based): chr16:2,072,865, C>A. VCF-style: chr16-2072865-C-A. GRCh37 (hg19) VCF-style: chr16-2122866-C-A.
Other names: c.2237C>A, p.Thr746Lys (NM_001077183.3, NM_001114382.3, NM_001363528.2 and 6 more transcripts); c.2126C>A, p.Thr709Lys (NM_001318827.2, NM_001406670.1, NM_001406678.1); c.2090C>A, p.Thr697Lys (NM_001318829.2, NM_001406675.1, NM_001406676.1 and 1 more transcripts); c.1637C>A, p.Thr546Lys (NM_001318831.2, NM_001406687.1, NM_001406688.1 and 6 more transcripts); c.2270C>A, p.Thr757Lys (NM_001318832.2); c.2327C>A, p.Thr776Lys (NM_001406667.1, NM_001406668.1); c.2225C>A, p.Thr742Lys (NM_001406671.1, NM_001406673.1); c.893C>A, p.Thr298Lys (NM_001406689.1, NM_001406690.1, NM_001406691.1 and 6 more transcripts); and 3 more; short protein forms T592K, T727K, T546K, T697K, T742K, T746K, T298K, T757K.
Identifiers: ClinVar variation 3974636 (VCV003974636.1).